The following is an entry in ClinVar:

ClinVar aggregate classification (germline): Conflicting classifications of pathogenicity. Review status: criteria provided, conflicting classifications (1 of 4 stars). 3 submissions from 3 submitters: Uncertain significance (2); Likely benign (1). Last evaluated 2026-04-01.

Allele frequency attached by ClinVar (database versions not stated): ExAC 0.00002; gnomAD exomes 0.00002; TOPMed 0.00002; gnomAD 0.00003; ESP Exome Variant Server 0.00008; 1000 Genomes Project 0.00020; 1000 Genomes Project 30x 0.00031.
gnomAD v4.1: 13 of 1,612,800 alleles (0.00081%); highest among the groups gnomAD compares: African/African-American, 0.013%; no homozygotes.

Submissions (3):

GeneDx
Classification: Uncertain significance. Last evaluated: 2026-04-01. Review status: criteria provided, single submitter. Criteria: GeneDx Variant Classification Process June 2021. Collection method: clinical testing. Allele origin: germline.
Comment: In silico analysis supports that this missense variant has a deleterious effect on protein structure/function; Has not been previously published as pathogenic or benign to our knowledge

Labcorp Genetics (formerly Invitae), Labcorp
Classification: Likely benign. Last evaluated: 2024-02-03. Review status: criteria provided, single submitter. Criteria: Invitae Variant Classification Sherloc (09022015). Collection method: clinical testing. Allele origin: germline.

Laboratory for Molecular Medicine, Mass General Brigham Personalized Medicine
Classification: Uncertain significance. Last evaluated: 2015-06-08. Review status: criteria provided, single submitter. Criteria: LMM Criteria. Collection method: clinical testing. Allele origin: germline. Observed: 1 variant allele.
Comment: The p.Ser716Asn variant in OTOF has not been previously reported in individuals with hearing loss, but it has been identified in 1/9364 African chromosomes and in 1/10724 Latino chromosomes by the Exome Aggregation Consortium (ExAC; dbSNP rs147657016). Computational prediction tools and conservation analyses do not provide strong support for or against an impact to the protein. In summary, the clinical significance of the p.Ser716Asn variant is uncertain.

NM_194248.3(OTOF):c.2147G>A (p.Ser716Asn)

Gene: OTOF (otoferlin; minus strand). Cytogenetic location: 2p23.3.
Variant type: single nucleotide variant.
Coding change: c.2147G>A on transcript NM_194248.3 (MANE Select); coding-DNA position 2147, G replaced by A.
Protein change: p.Ser716Asn; replaces serine 716 with asparagine.
Molecular consequence: missense variant.
Genome position (GRCh38, 1-based): chr2:26,479,331, C>T on the plus strand (G>A on the coding strand, the complement: OTOF is on the minus strand). VCF-style: chr2-26479331-C-T. GRCh37 (hg19) VCF-style: chr2-26702199-C-T.
Other names: c.2147G>A, p.Ser716Asn (NM_001287489.2); short protein forms S716N.
Identifiers: ClinVar variation 229070 (VCV000229070.10), dbSNP rs147657016, ClinGen allele CA1564053.
Genomic context (GRCh38, chr2:26,479,331, plus strand): 5'-TCGGCAATGTGGTCCATGATGTTGGCATTGTAGAGGCGGCGGCGCTGGTCCGGCCACCAG[C>T]TCTTGATGTAGATGCAGGGCTTTCGCTCCAGGTAGGGCAGATGGAAGTAGTTCCTGGGGT-3'
Protein context (NP_919224.1, residues 706-726): LERKPCIYIK[Ser716Asn]WWPDQRRRLY